The following is an entry in ClinVar:

ClinVar aggregate classification (germline): Uncertain significance. Review status: criteria provided, multiple submitters, no conflicts (2 of 4 stars). 2 submissions from 2 submitters: Uncertain significance (2). Last evaluated 2021-08-17.

Conditions:
Hereditary attention deficit-hyperactivity disorder. Also called: HYPERACTIVITY OF CHILDHOOD. Identifiers: MedGen CN324066, MONDO:0100518, OMIM 143465.

Allele frequency attached by ClinVar (database versions not stated): ExAC 0.00081.

Submissions (2):

Ambry Genetics
Classification: Uncertain significance. Last evaluated: 2021-08-17. Review status: criteria provided, single submitter. Criteria: Ambry Variant Classification Scheme 2023. Collection method: clinical testing. Allele origin: germline.

Clinical Genomics, Uppaluri K&H Personalized Medicine Clinic
Classification: Uncertain significance for Hereditary attention deficit-hyperactivity disorder. Review status: criteria provided, single submitter. Criteria: K &amp; H Uppaluri Personalized Medicine Clinic Variant Classification &amp; Assertion Criteria_Updated V.1. Collection method: clinical testing. Allele origin: germline. Inheritance: Autosomal dominant inheritance. Affected: yes. Observed: 1 heterozygote.
Comment: Potent mutations in Dopamine receptor uptake gene leads to decreased brain uptake of neuromodulator dopamine and are strongly associated with onset of Attention deficit hyperactivity disorder. However more evidence is required to confer the association of this particular rs781463894 with Attention deficit hyperactivity disorder.

Literature cited by the submitters: PubMed 20644990 (cited by Clinical Genomics, Uppaluri K&H Personalized Medicine Clinic); PubMed 36211978 (cited by Clinical Genomics, Uppaluri K&H Personalized Medicine Clinic); PubMed 10654656 (cited by Clinical Genomics, Uppaluri K&H Personalized Medicine Clinic); PubMed 30099719 (cited by Clinical Genomics, Uppaluri K&H Personalized Medicine Clinic); PubMed 25262643 (cited by Clinical Genomics, Uppaluri K&H Personalized Medicine Clinic); PubMed 29781347 (cited by Clinical Genomics, Uppaluri K&H Personalized Medicine Clinic).

NM_000797.4(DRD4):c.925A>G (p.Asn309Asp)

Gene: DRD4 (dopamine receptor D4; plus strand). Cytogenetic location: 11p15.5.
Variant type: single nucleotide variant.
Coding change: c.925A>G on transcript NM_000797.4 (MANE Select); coding-DNA position 925, A replaced by G.
Protein change: p.Asn309Asp; replaces asparagine 309 with aspartic acid.
Molecular consequence: missense variant.
Genome position (GRCh38, 1-based): chr11:640,174, A>G. VCF-style: chr11-640174-A-G. GRCh37 (hg19) VCF-style: chr11-640174-A-G.
Other names: short protein forms N309D.
Identifiers: ClinVar variation 2346772 (VCV002346772.3), dbSNP rs781463894, ClinGen allele CA5785870.